The following is an entry in ClinVar:

NM_001278116.2(L1CAM):c.2648G>C (p.Ser883Thr)

Gene: L1CAM (L1 cell adhesion molecule; minus strand). Cytogenetic location: Xq28.
Variant type: single nucleotide variant.
Coding change: c.2648G>C on transcript NM_001278116.2 (MANE Select); coding-DNA position 2648, G replaced by C.
Protein change: p.Ser883Thr; replaces serine 883 with threonine.
Molecular consequence: missense variant.
Genome position (GRCh38, 1-based): chrX:153,865,400, C>G on the plus strand (G>C on the coding strand, the complement: L1CAM is on the minus strand). VCF-style: chrX-153865400-C-G. GRCh37 (hg19) VCF-style: chrX-153130855-C-G.
Other names: c.2648G>C, p.Ser883Thr (NM_000425.5, NM_024003.3); c.2633G>C, p.Ser878Thr (NM_001143963.2); short protein forms S878T, S883T.
Identifiers: ClinVar variation 2662276 (VCV002662276.1), dbSNP rs2520975033, ClinGen allele CA415116046.

ClinVar aggregate classification (germline): Uncertain significance (1 of 4 stars; one submission).

Allele frequency attached by ClinVar (database versions not stated): gnomAD exomes below 0.00001.
gnomAD v4.1: 5 of 1,211,482 alleles (0.00041%); highest among the groups gnomAD compares: Non-Finnish European, 0.00056%; no homozygotes.

Submission:

GeneDx
Classification: Uncertain significance. Last evaluated: 2023-05-17. Review status: criteria provided, single submitter. Criteria: GeneDx Variant Classification Process June 2021. Collection method: clinical testing. Allele origin: germline. Affected: yes.
Comment: Not observed at significant frequency in large population cohorts (gnomAD); In silico analysis supports that this missense variant does not alter protein structure/function; Has not been previously published as pathogenic or benign to our knowledge; This variant is associated with the following publications: (PMID: 25641508)